The following is an entry in ClinVar:

NM_001197104.2(KMT2A):c.4420T>A (p.Trp1474Arg)

Gene: KMT2A (lysine methyltransferase 2A; plus strand). Cytogenetic location: 11q23.3.
Variant type: single nucleotide variant.
Coding change: c.4420T>A on transcript NM_001197104.2 (MANE Select); coding-DNA position 4420, T replaced by A.
Protein change: p.Trp1474Arg; replaces tryptophan 1474 with arginine.
Molecular consequence: missense variant.
Genome position (GRCh38, 1-based): chr11:118,488,701, T>A. VCF-style: chr11-118488701-T-A. GRCh37 (hg19) VCF-style: chr11-118359416-T-A.
Other names: c.4420T>A, p.Trp1474Arg (NM_005933.4); short protein forms W1474R.
Identifiers: ClinVar variation 931727 (VCV000931727.3), dbSNP rs1950273260, ClinGen allele CA382832488.

ClinVar aggregate classification (germline): Uncertain significance (1 of 4 stars; one submission).

Conditions:
Wiedemann-Steiner syndrome (WDSTS). Also called: Growth deficiency and mental retardation with facial dysmorphism. Identifiers: Orphanet 319182, MedGen C1854630, MONDO:0011518, OMIM 605130.

Submission:

Centre for Mendelian Genomics, University Medical Centre Ljubljana
Classification: Uncertain significance for Wiedemann-Steiner syndrome. Last evaluated: 2019-12-02. Review status: criteria provided, single submitter. Criteria: ACMG Guidelines, 2015. Collection method: clinical testing. Allele origin: unknown. Affected: yes.
Comment: This variant was classified as: Uncertain significance. The available evidence on this variant's pathogenicity is insufficient or conflicting. The following ACMG criteria were applied in classifying this variant: PM2,PP3.